The following is an entry in ClinVar:

ClinVar aggregate classification (germline): Uncertain significance (1 of 4 stars; one submission).

Conditions:
Inborn genetic diseases. Identifiers: MedGen C0950123, MeSH D030342.

Submission:

Ambry Genetics
Classification: Uncertain significance for Inborn genetic diseases. Last evaluated: 2025-09-26. Review status: criteria provided, single submitter. Criteria: Ambry Variant Classification Scheme 2023. Collection method: clinical testing. Allele origin: germline.
Comment: The p.H1404N variant (also known as c.4210C>A), located in coding exon 29 of the ANKRD26 gene, results from a C to A substitution at nucleotide position 4210. The histidine at codon 1404 is replaced by asparagine, an amino acid with similar properties. This amino acid position is conserved. In addition, this alteration is predicted to be tolerated by in silico analysis. Based on the available evidence, the clinical significance of this variant remains unclear.

NM_014915.3(ANKRD26):c.4210C>A (p.His1404Asn)

Gene: ANKRD26 (ankyrin repeat domain 26; minus strand). Cytogenetic location: 10p12.1.
Variant type: single nucleotide variant.
Coding change: c.4210C>A on transcript NM_014915.3 (MANE Select); coding-DNA position 4210, C replaced by A.
Protein change: p.His1404Asn; replaces histidine 1404 with asparagine.
Molecular consequence: missense variant.
Genome position (GRCh38, 1-based): chr10:27,022,563, G>T on the plus strand (C>A on the coding strand, the complement: ANKRD26 is on the minus strand). VCF-style: chr10-27022563-G-T. GRCh37 (hg19) VCF-style: chr10-27311492-G-T.
Other names: c.4207C>A, p.His1403Asn (NM_001256053.2); short protein forms H1403N, H1404N.
Identifiers: ClinVar variation 4578959 (VCV004578959.1).
Genomic context (GRCh38, chr10:27,022,563, plus strand): 5'-CTATATTTCCCAAAATTAAGTGACTTTTTTGGTCCCAAAACTTATTAAAAATTACCTTAT[G>T]TTTTAGCTTATTAATCTGAATATCCATTTCAAATTGACTAGTTTTTAAATCTCCATGGAA-3'
Protein context (NP_055730.2, residues 1394-1414): EMDIQINKLK[His1404Asn]KIDDLTAELE